The following is an entry in ClinVar:

NM_199420.4(POLQ):c.4376T>C (p.Ile1459Thr)

Gene: POLQ (DNA polymerase theta; minus strand). Cytogenetic location: 3q13.33.
Variant type: single nucleotide variant.
Coding change: c.4376T>C on transcript NM_199420.4 (MANE Select); coding-DNA position 4376, T replaced by C.
Protein change: p.Ile1459Thr; replaces isoleucine 1459 with threonine.
Molecular consequence: missense variant.
Genome position (GRCh38, 1-based): chr3:121,488,555, A>G on the plus strand (T>C on the coding strand, the complement: POLQ is on the minus strand). VCF-style: chr3-121488555-A-G. GRCh37 (hg19) VCF-style: chr3-121207402-A-G.
Other names: short protein forms I1459T.
Identifiers: ClinVar variation 1740120 (VCV001740120.2), dbSNP rs2048034109, ClinGen allele CA354095280.

ClinVar aggregate classification (germline): Uncertain significance (1 of 4 stars; one submission).

Allele frequency attached by ClinVar (database versions not stated): gnomAD 0.00001.
gnomAD v4.1: 1 of 1,611,846 alleles (0.000062%); highest among the groups gnomAD compares: South Asian, 0.0011%; no homozygotes.

Submission:

Ambry Genetics
Classification: Uncertain significance. Last evaluated: 2022-10-04. Review status: criteria provided, single submitter. Criteria: Ambry Variant Classification Scheme 2023. Collection method: clinical testing. Allele origin: germline.
Comment: The p.I1459T variant (also known as c.4376T>C), located in coding exon 16 of the POLQ gene, results from a T to C substitution at nucleotide position 4376. The isoleucine at codon 1459 is replaced by threonine, an amino acid with similar properties. This amino acid position is conserved. In addition, this alteration is predicted to be tolerated by in silico analysis. Since supporting evidence is limited at this time, the clinical significance of this alteration remains unclear.